The following is an entry in ClinVar:

NM_001009944.3(PKD1):c.9124G>A (p.Val3042Ile)

Gene: PKD1 (polycystin 1, transient receptor potential channel interacting; minus strand). Cytogenetic location: 16p13.3.
Variant type: single nucleotide variant.
Coding change: c.9124G>A on transcript NM_001009944.3 (MANE Select); coding-DNA position 9124, G replaced by A.
Protein change: p.Val3042Ile; replaces valine 3042 with isoleucine.
Molecular consequence: missense variant.
Genome position (GRCh38, 1-based): chr16:2,102,458, C>T on the plus strand (G>A on the coding strand, the complement: PKD1 is on the minus strand). VCF-style: chr16-2102458-C-T. GRCh37 (hg19) VCF-style: chr16-2152459-C-T.
Other names: c.9124G>A, p.Val3042Ile (NM_000296.4); short protein forms V3042I.
Identifiers: ClinVar variation 618807 (VCV000618807.11), dbSNP rs966307189, ClinGen allele CA276775312.
Genomic context (GRCh38, chr16:2,102,458, plus strand): 5'-CATGGCTTGGGGGCACGAAGAGGCTGGCGCCGAAGGCGGTGAGGTGGCGGGTGAGGCAGA[C>T]GGCCTGGCGGGGCGAGGTCTCCTCCAGGGGCAGCAGCCCCTCTGTCCGCCACACCATGTC-3'
Protein context (NP_001009944.3, residues 3032-3052): PLEETSPRQA[Val3042Ile]CLTRHLTAFG

ClinVar aggregate classification (germline): Uncertain significance. Review status: criteria provided, multiple submitters, no conflicts (2 of 4 stars). 3 submissions from 3 submitters: Uncertain significance (3). Last evaluated 2022-03-19.

Conditions:
Polycystic kidney disease, adult type (PKD1). Also called: POLYCYSTIC KIDNEY DISEASE 1 WITH OR WITHOUT POLYCYSTIC LIVER DISEASE; Polycystic Kidney Disease 1, Autosomal Dominant; Polycystic kidney disease 1; Polycystic kidney disease 1, severe; POLYCYSTIC KIDNEY DISEASE, ADULT, TYPE I; Polycystic Kidney, Autosomal Dominant. Identifiers: MedGen C3149841, MONDO:0008263, OMIM 173900.

Allele frequency attached by ClinVar (database versions not stated): gnomAD 0.00002 and 0.00003; TOPMed 0.00003; gnomAD exomes 0.00004 and 0.00014.
gnomAD v4.1: 198 of 1,553,654 alleles (0.013%); highest among the groups gnomAD compares: Non-Finnish European, 0.016%; no homozygotes.

Submissions (3):

Fulgent Genetics
Classification: Uncertain significance for Polycystic kidney disease, adult type. Last evaluated: 2022-03-19. Review status: criteria provided, single submitter. Criteria: ACMG Guidelines, 2015. Collection method: clinical testing. Allele origin: unknown.

ARUP Laboratories, Molecular Genetics and Genomics, ARUP Laboratories
Classification: Uncertain significance. Last evaluated: 2017-11-16. Review status: criteria provided, single submitter. Criteria: ARUP Molecular Germline Variant Investigation Process. Collection method: clinical testing. Allele origin: germline.

Juno Genomics, Hangzhou Juno Genomics, Inc
Classification: Uncertain significance for Polycystic kidney disease, adult type. Review status: criteria provided, single submitter. Criteria: ACMG Guidelines, 2015. Collection method: clinical testing. Allele origin: germline.
Comment: Absent from controls (or at extremely low frequency if recessive) in Genome Aggregation Database.;Patient's phenotype or family history is highly specific for a disease with a single genetic etiology.